The following is an entry in ClinVar:

ClinVar aggregate classification (germline): Uncertain significance (1 of 4 stars; one submission).

Conditions:
Combined immunodeficiency due to LRBA deficiency. Also called: Common variable immunodeficiency 8, with autoimmunity. Identifiers: Orphanet 445018, MedGen C3553512, MONDO:0013863, OMIM 614700.

Allele frequency attached by ClinVar (database versions not stated): gnomAD exomes 0.00001; ExAC 0.00002; gnomAD 0.00002 and 0.00003; 1000 Genomes Project 30x 0.00016; 1000 Genomes Project 0.00020.
gnomAD v4.1: 7 of 1,613,778 alleles (0.00043%); highest among the groups gnomAD compares: East Asian, 0.0022%; no homozygotes.

Submission:

Labcorp Genetics (formerly Invitae), Labcorp
Classification: Uncertain significance for Combined immunodeficiency due to LRBA deficiency. Last evaluated: 2021-08-24. Review status: criteria provided, single submitter. Criteria: Invitae Variant Classification Sherloc (09022015). Collection method: clinical testing. Allele origin: germline.
Comment: This sequence change replaces arginine with cysteine at codon 1975 of the LRBA protein (p.Arg1975Cys). The arginine residue is weakly conserved and there is a large physicochemical difference between arginine and cysteine. This variant is present in population databases (rs551089193, ExAC 0.01%). This variant has not been reported in the literature in individuals affected with LRBA-related conditions. Algorithms developed to predict the effect of missense changes on protein structure and function are either unavailable or do not agree on the potential impact of this missense change (SIFT: "Deleterious"; PolyPhen-2: "Probably Damaging"; Align-GVGD: "Class C0"). In summary, the available evidence is currently insufficient to determine the role of this variant in disease. Therefore, it has been classified as a Variant of Uncertain Significance.

NM_001364905.1(LRBA):c.5923C>T (p.Arg1975Cys)

Gene: LRBA (LPS responsive beige-like anchor protein; minus strand). Cytogenetic location: 4q31.3.
Variant type: single nucleotide variant.
Coding change: c.5923C>T on transcript NM_001364905.1 (MANE Select); coding-DNA position 5923, C replaced by T.
Protein change: p.Arg1975Cys; replaces arginine 1975 with cysteine.
Molecular consequence: missense variant.
Genome position (GRCh38, 1-based): chr4:150,599,130, G>A on the plus strand (C>T on the coding strand, the complement: LRBA is on the minus strand). VCF-style: chr4-150599130-G-A. GRCh37 (hg19) VCF-style: chr4-151520282-G-A.
Other names: c.5923C>T, p.Arg1975Cys (NM_001199282.3, NM_001367550.1, NM_006726.5); short protein forms R1975C.
Identifiers: ClinVar variation 956558 (VCV000956558.7), dbSNP rs551089193, ClinGen allele CA3102298.
Genomic context (GRCh38, chr4:150,599,130, plus strand): 5'-ATCGTCGCCGGCGCCGCAAGTCATCTTCCCAGTAGTCAAGGCGCCAGAACTCAAGAGGAC[G>A]ACTACAATGAAACAGAGAAGCCACATATGTTAGCAATTATCAAACAGCGTGGTAGCACTG-3'
Protein context (NP_001351834.1, residues 1965-1985): HGAWGNSAVS[Arg1975Cys]PLEFWRLDYW